The following is an entry in ClinVar:

ClinVar aggregate classification (germline): Uncertain significance. Review status: criteria provided, multiple submitters, no conflicts (2 of 4 stars). 3 submissions from 3 submitters: Uncertain significance (3). Last evaluated 2023-04-17.

Conditions:
Sphingolipid activator protein 1 deficiency. Also called: METACHROMATIC LEUKODYSTROPHY DUE TO CEREBROSIDE SULFATASE ACTIVATOR DEFICIENCY; Metachromatic leukodystrophy due to saposin B deficiency; Saposin B Deficiency. Identifiers: Orphanet 512, MedGen C0268262, MONDO:0009590, OMIM 249900.
Inborn genetic diseases. Identifiers: MedGen C0950123, MeSH D030342.

Allele frequency attached by ClinVar (database versions not stated): ExAC 0.00003; TOPMed 0.00004; gnomAD 0.00005; gnomAD exomes 0.00005.
gnomAD v4.1: 93 of 1,613,974 alleles (0.0058%); highest among the groups gnomAD compares: East Asian, 0.029%; 1 homozygote.

Submissions (3):

Ambry Genetics
Classification: Uncertain significance for Inborn genetic diseases. Last evaluated: 2023-04-17. Review status: criteria provided, single submitter. Criteria: Ambry Variant Classification Scheme 2023. Collection method: clinical testing. Allele origin: germline.

Labcorp Genetics (formerly Invitae), Labcorp
Classification: Uncertain significance for Sphingolipid activator protein 1 deficiency. Last evaluated: 2022-07-29. Review status: criteria provided, single submitter. Criteria: Invitae Variant Classification Sherloc (09022015). Collection method: clinical testing. Allele origin: germline.
Comment: This sequence change replaces alanine, which is neutral and non-polar, with valine, which is neutral and non-polar, at codon 266 of the PSAP protein (p.Ala266Val). This variant is present in population databases (rs772161921, gnomAD 0.03%). This variant has not been reported in the literature in individuals affected with PSAP-related conditions. ClinVar contains an entry for this variant (Variation ID: 1343561). Algorithms developed to predict the effect of missense changes on protein structure and function output the following: SIFT: "Not Available"; PolyPhen-2: "Benign"; Align-GVGD: "Not Available". The valine amino acid residue is found in multiple mammalian species, which suggests that this missense change does not adversely affect protein function. In summary, the available evidence is currently insufficient to determine the role of this variant in disease. Therefore, it has been classified as a Variant of Uncertain Significance.

Women's Health and Genetics/Laboratory Corporation of America, LabCorp
Classification: Uncertain significance. Last evaluated: 2022-02-18. Review status: criteria provided, single submitter. Criteria: LabCorp Variant Classification Summary - May 2015. Collection method: clinical testing. Allele origin: germline.
Comment: Variant summary: PSAP c.797C>T (p.Ala266Val) results in a non-conservative amino acid change located in the Saposin B type, region 2 domain (IPR008138) of the encoded protein sequence. Four of five in-silico tools predict a benign effect of the variant on protein function. The variant allele was found at a frequency of 6.7e-05 in 253760 control chromosomes (gnomAD and publication data). This frequency is not significantly higher than expected for a pathogenic variant in PSAP causing Metachromatic Leukodystrophy (6.7e-05 vs 0.0004), allowing no conclusion about variant significance. To our knowledge, no occurrence of c.797C>T in individuals affected with Metachromatic Leukodystrophy and no experimental evidence demonstrating its impact on protein function have been reported. No clinical diagnostic laboratories have submitted clinical-significance assessments for this variant to ClinVar after 2014. Based on the evidence outlined above, the variant was classified as uncertain significance.

Literature cited by the submitters: PubMed 30037697 (cited by Women's Health and Genetics/Laboratory Corporation of America, LabCorp).

NM_002778.4(PSAP):c.797C>T (p.Ala266Val)

Gene: PSAP (prosaposin; minus strand). Cytogenetic location: 10q22.1.
Variant type: single nucleotide variant.
Coding change: c.797C>T on transcript NM_002778.4 (MANE Select); coding-DNA position 797, C replaced by T.
Protein change: p.Ala266Val; replaces alanine 266 with valine.
Molecular consequence: missense variant.
Genome position (GRCh38, 1-based): chr10:71,821,988, G>A on the plus strand (C>T on the coding strand, the complement: PSAP is on the minus strand). VCF-style: chr10-71821988-G-A. GRCh37 (hg19) VCF-style: chr10-73581745-G-A.
Other names: c.806C>T, p.Ala269Val (NM_001042465.3); c.803C>T, p.Ala268Val (NM_001042466.3); c.797C>T (NM_002778.2); short protein forms A266V, A268V, A269V.
Identifiers: ClinVar variation 1343561 (VCV001343561.4), dbSNP rs772161921, ClinGen allele CA5547599.